The following is an entry in ClinVar:

ClinVar aggregate classification (germline): Uncertain significance (1 of 4 stars; one submission).

Conditions:
Catecholaminergic polymorphic ventricular tachycardia 1. Also called: VENTRICULAR TACHYCARDIA, STRESS-INDUCED POLYMORPHIC 1; VENTRICULAR TACHYCARDIA, CATECHOLAMINERGIC POLYMORPHIC, 1, WITH OR WITHOUT ATRIAL DYSFUNCTION AND/OR DILATED CARDIOMYOPATHY; RYR2-Related Catecholaminergic Polymorphic Ventricular Tachycardia. Identifiers: Orphanet 3286, MedGen C1631597, MONDO:0011484, OMIM 604772.

Submission:

Labcorp Genetics (formerly Invitae), Labcorp
Classification: Uncertain significance for Catecholaminergic polymorphic ventricular tachycardia 1. Last evaluated: 2021-03-23. Review status: criteria provided, single submitter. Criteria: Invitae Variant Classification Sherloc (09022015). Collection method: clinical testing. Allele origin: germline.
Comment: In summary, the available evidence is currently insufficient to determine the role of this variant in disease. Therefore, it has been classified as a Variant of Uncertain Significance. Experimental studies and prediction algorithms are not available or were not evaluated, and the functional significance of this variant is currently unknown. This variant has not been reported in the literature in individuals with RYR2-related conditions. This variant results in a copy number gain of the genomic region encompassing exon(s) 4-12 of the RYR2 gene. While the exact position of this variant cannot be determined from the data, sub-genic copy number gains are generally in tandem (PMID: 25640679). This variant is predicted to be in-frame, and likely preserves the integrity of the reading frame.

Literature cited by the submitters: PubMed 25640679.

NC_000001.10:g.(?_237519245)_(237586568_?)dup

Gene: RYR2 (ryanodine receptor 2; plus strand). Cytogenetic location: 1q43.
Variant type: Duplication.
Identifiers: ClinVar variation 1373416 (VCV001373416.43).